The following is an entry in ClinVar:

ClinVar aggregate classification (germline): Pathogenic (0 of 4 stars; one submission).

Conditions:
46,XY sex reversal 7. Also called: GONADAL DYSGENESIS, XY, MALE-LIMITED; DHH-Related 46,XY complete gonadal dysgenesis; 46,XY GONADAL DYSGENESIS, PARTIAL OR COMPLETE, DHH-RELATED; 46,XY SEX REVERSAL, PARTIAL OR COMPLETE, DHH-RELATED. Identifiers: Orphanet 242, MedGen C1856273, MONDO:0009301, OMIM 233420.

Submission:

Division of Paediatric Endocrinology and Diabetes, University of Luebeck
Classification: Pathogenic for 46,XY sex reversal 7. Review status: no assertion criteria provided. Collection method: research. Allele origin: de novo. Inheritance: Autosomal recessive inheritance. Affected: yes. Observed: 1 compound heterozygote.
Comment: This variation is not listed in gnomAD browser database or the Human Mutations Database (HGMD) or 1000 Genomes Project and likely reflects a novel mutation. It lies in the auto-catalytically processed and secreted DHh-N. It gives rise to a premature stop codon instead of a tyrosine residue at position 176, leading to a truncated protein missing the last 23 aa of DHh-N as well as the entire DHh-C containing the determinants required for auto-processing of the precursor as well as essential residues fundamental for addition of a cholesterol moiety to the signaling peptide DHh-N. The second mutation showed reduced auto-catalytic processing in-vitro. Thus, the p.Tyr176* variant meets our criteria to be classified as autosomal recessive pathogenic

Literature cited by the submitters: PubMed 30298535.

NM_021044.4(DHH):c.528C>G (p.Tyr176Ter)

Gene: DHH (desert hedgehog signaling molecule; minus strand). Cytogenetic location: 12q13.12.
Variant type: single nucleotide variant.
Coding change: c.528C>G on transcript NM_021044.4 (MANE Select); coding-DNA position 528, C replaced by G.
Protein change: p.Tyr176Ter; replaces tyrosine 176 with a stop codon.
Molecular consequence: nonsense.
Genome position (GRCh38, 1-based): chr12:49,091,165, G>C on the plus strand (C>G on the coding strand, the complement: DHH is on the minus strand). VCF-style: chr12-49091165-G-C. GRCh37 (hg19) VCF-style: chr12-49484948-G-C.
Other names: short protein forms Y176*.
Identifiers: ClinVar variation 561189 (VCV000561189.2), dbSNP rs1565573786, ClinGen allele CA384721237.